The following is an entry in ClinVar:

NM_001369.3(DNAH5):c.556C>A (p.Leu186Ile)

Gene: DNAH5 (dynein axonemal heavy chain 5; minus strand). Cytogenetic location: 5p15.2.
Variant type: single nucleotide variant.
Coding change: c.556C>A on transcript NM_001369.3 (MANE Select); coding-DNA position 556, C replaced by A.
Protein change: p.Leu186Ile; replaces leucine 186 with isoleucine.
Molecular consequence: missense variant.
Genome position (GRCh38, 1-based): chr5:13,922,211, G>T on the plus strand (C>A on the coding strand, the complement: DNAH5 is on the minus strand). VCF-style: chr5-13922211-G-T. GRCh37 (hg19) VCF-style: chr5-13922320-G-T.
Other names: short protein forms L186I.
Identifiers: ClinVar variation 454785 (VCV000454785.9), dbSNP rs1554104341, ClinGen allele CA359222722.

ClinVar aggregate classification (germline): Uncertain significance (1 of 4 stars; one submission).

Conditions:
Primary ciliary dyskinesia. Also called: Ciliary dyskinesia. Identifiers: Orphanet 244, MedGen C0008780, MONDO:0016575, HP:0012265.

gnomAD v4.1: 2 of 1,613,892 alleles (0.00012%); highest among the groups gnomAD compares: Non-Finnish European, 0.00017%; no homozygotes.

Submission:

Labcorp Genetics (formerly Invitae), Labcorp
Classification: Uncertain significance for Primary ciliary dyskinesia. Last evaluated: 2017-02-01. Review status: criteria provided, single submitter. Criteria: Invitae Variant Classification Sherloc (09022015). Collection method: clinical testing. Allele origin: germline.
Comment: In summary, this variant is a novel missense change with uncertain impact on protein function. It has been classified as a Variant of Uncertain Significance. Algorithms developed to predict the effect of missense changes on protein structure and function do not agree on the potential impact of this missense change (SIFT: "Deleterious"; PolyPhen-2: "Benign"; Align-GVGD: "Class C0"). This variant is not present in population databases (ExAC no frequency) and has not been reported in the literature in individuals with a DNAH5-related disease. This sequence change replaces leucine with isoleucine at codon 186 of the DNAH5 protein (p.Leu186Ile). The leucine residue is highly conserved and there is a small physicochemical difference between leucine and isoleucine.